The following is an entry in ClinVar:

NM_006912.6(RIT1):c.587A>T (p.Lys196Ile)

Gene: RIT1 (Ras like without CAAX 1; minus strand). Cytogenetic location: 1q22.
Variant type: single nucleotide variant.
Coding change: c.587A>T on transcript NM_006912.6 (MANE Select); coding-DNA position 587, A replaced by T.
Protein change: p.Lys196Ile; replaces lysine 196 with isoleucine.
Molecular consequence: missense variant.
Genome position (GRCh38, 1-based): chr1:155,900,461, T>A on the plus strand (A>T on the coding strand, the complement: RIT1 is on the minus strand). VCF-style: chr1-155900461-T-A. GRCh37 (hg19) VCF-style: chr1-155870252-T-A.
Other names: c.479A>T, p.Lys160Ile (NM_001256820.2); c.638A>T, p.Lys213Ile (NM_001256821.2); short protein forms K213I, K160I, K196I.
Identifiers: ClinVar variation 3666271 (VCV003666271.2).
Genomic context (GRCh38, chr1:155,900,461, plus strand): 5'-TCTTTCTTCTTCCGGAATGGTGATTTTAGCCTCTTCCATACACTGTTTTTGGGCTTAGAT[T>A]TTTTCTCCATGGCCAGTACTGCCTCCTTTTCTTTCCTACGTATCTCCCGTACAAGGGCAT-3'
Protein context (NP_008843.1, residues 186-206): EKEAVLAMEK[Lys196Ile]SKPKNSVWKR

ClinVar aggregate classification (germline): Uncertain significance (1 of 4 stars; one submission).

Conditions:
Noonan syndrome 8 (NS8). Identifiers: Orphanet 648, MedGen C3809233, MONDO:0014143, OMIM 615355.

gnomAD v4.1: 1 of 1,614,138 alleles (0.000062%); highest among the groups gnomAD compares: Non-Finnish European, 0.000085%; no homozygotes.

Submission:

Labcorp Genetics (formerly Invitae), Labcorp
Classification: Uncertain significance for Noonan syndrome 8. Last evaluated: 2024-08-19. Review status: criteria provided, single submitter. Criteria: Invitae Variant Classification Sherloc (09022015). Collection method: clinical testing. Allele origin: germline.
Comment: This sequence change replaces lysine, which is basic and polar, with isoleucine, which is neutral and non-polar, at codon 196 of the RIT1 protein (p.Lys196Ile). This variant is not present in population databases (gnomAD no frequency). This variant has not been reported in the literature in individuals affected with RIT1-related conditions. Invitae Evidence Modeling of protein sequence and biophysical properties (such as structural, functional, and spatial information, amino acid conservation, physicochemical variation, residue mobility, and thermodynamic stability) indicates that this missense variant is not expected to disrupt RIT1 protein function with a negative predictive value of 95%. In summary, the available evidence is currently insufficient to determine the role of this variant in disease. Therefore, it has been classified as a Variant of Uncertain Significance.